The following is an entry in ClinVar:

ClinVar aggregate classification (germline): Uncertain significance (1 of 4 stars; one submission).

Conditions:
Bailey-Bloch congenital myopathy (CMYO13). Also called: Native American myopathy; Congenital myopathy 13; STAC3 disorder. Identifiers: Orphanet 168572, MedGen C1850625, MONDO:0009722, OMIM 255995.

Allele frequency attached by ClinVar (database versions not stated): gnomAD exomes below 0.00001; ExAC 0.00001; gnomAD 0.00002; TOPMed 0.00002.
gnomAD v4.1: 4 of 1,614,008 alleles (0.00025%); highest among the groups gnomAD compares: African/African-American, 0.004%; no homozygotes.

Submission:

Labcorp Genetics (formerly Invitae), Labcorp
Classification: Uncertain significance for Bailey-Bloch congenital myopathy. Last evaluated: 2022-07-05. Review status: criteria provided, single submitter. Criteria: Invitae Variant Classification Sherloc (09022015). Collection method: clinical testing. Allele origin: germline.
Comment: This sequence change replaces glycine, which is neutral and non-polar, with arginine, which is basic and polar, at codon 56 of the STAC3 protein (p.Gly56Arg). This variant is present in population databases (rs762781734, gnomAD 0.01%). This variant has not been reported in the literature in individuals affected with STAC3-related conditions. ClinVar contains an entry for this variant (Variation ID: 1395273). Algorithms developed to predict the effect of missense changes on protein structure and function (SIFT, PolyPhen-2, Align-GVGD) all suggest that this variant is likely to be tolerated. In summary, the available evidence is currently insufficient to determine the role of this variant in disease. Therefore, it has been classified as a Variant of Uncertain Significance.

NM_145064.3(STAC3):c.166G>C (p.Gly56Arg)

Gene: STAC3 (SH3 and cysteine rich domain 3; minus strand). Cytogenetic location: 12q13.3.
Variant type: single nucleotide variant.
Coding change: c.166G>C on transcript NM_145064.3 (MANE Select); coding-DNA position 166, G replaced by C.
Protein change: p.Gly56Arg; replaces glycine 56 with arginine.
Molecular consequence: missense variant. On other transcripts: intron variant (1).
Genome position (GRCh38, 1-based): chr12:57,249,209, C>G on the plus strand (G>C on the coding strand, the complement: STAC3 is on the minus strand). VCF-style: chr12-57249209-C-G. GRCh37 (hg19) VCF-style: chr12-57642992-C-G.
Other names: c.49G>C, p.Gly17Arg (NM_001286256.2); c.-126-1011G>C (NM_001286257.2); short protein forms G56R, G17R.
Identifiers: ClinVar variation 1395273 (VCV001395273.6), dbSNP rs762781734, ClinGen allele CA6647234.